The following is an entry in ClinVar:

ClinVar aggregate classification (germline): Uncertain significance (1 of 4 stars; one submission).

Conditions:
Nephrolithiasis/nephrocalcinosis. Identifiers: MedGen CN580796.

Submission:

Ambry Genetics
Classification: Uncertain significance for Nephrolithiasis/nephrocalcinosis. Last evaluated: 2021-06-20. Review status: criteria provided, single submitter. Criteria: Ambry Variant Classification Scheme 2023. Collection method: clinical testing. Allele origin: germline.
Comment: The p.E202G variant (also known as c.605A>G), located in coding exon 3 of the CASR gene, results from an A to G substitution at nucleotide position 605. The glutamic acid at codon 202 is replaced by glycine, an amino acid with similar properties. This amino acid position is conserved. In addition, this alteration is predicted to be deleterious by in silico analysis. Since supporting evidence is limited at this time, the clinical significance of this alteration remains unclear.

NM_000388.4(CASR):c.605A>G (p.Glu202Gly)

Gene: CASR (calcium sensing receptor; plus strand). Cytogenetic location: 3q21.1.
Variant type: single nucleotide variant.
Coding change: c.605A>G on transcript NM_000388.4 (MANE Select); coding-DNA position 605, A replaced by G.
Protein change: p.Glu202Gly; replaces glutamic acid 202 with glycine.
Molecular consequence: missense variant.
Genome position (GRCh38, 1-based): chr3:122,261,640, A>G. VCF-style: chr3-122261640-A-G. GRCh37 (hg19) VCF-style: chr3-121980487-A-G.
Other names: c.605A>G, p.Glu202Gly (NM_001178065.2); short protein forms E202G.
Identifiers: ClinVar variation 1751310 (VCV001751310.2), dbSNP rs2473225599, ClinGen allele CA354150949.